The following is an entry in ClinVar:

NM_015325.3(ICE1):c.5086C>A (p.Pro1696Thr)

Gene: ICE1 (interactor of little elongation complex ELL subunit 1; plus strand). Cytogenetic location: 5p15.32.
Variant type: single nucleotide variant.
Coding change: c.5086C>A on transcript NM_015325.3 (MANE Select); coding-DNA position 5086, C replaced by A.
Protein change: p.Pro1696Thr; replaces proline 1696 with threonine.
Molecular consequence: missense variant.
Genome position (GRCh38, 1-based): chr5:5,464,420, C>A. VCF-style: chr5-5464420-C-A. GRCh37 (hg19) VCF-style: chr5-5464533-C-A.
Other names: c.5086C>A (NM_015325.1); short protein forms P1696T.
Identifiers: ClinVar variation 773714 (VCV000773714.29), dbSNP rs201780270, ClinGen allele CA3191452.

ClinVar aggregate classification (germline): Likely benign. Review status: criteria provided, multiple submitters, no conflicts (2 of 4 stars). 4 submissions from 4 submitters: Likely benign (4). Last evaluated 2025-10-15.

Allele frequency attached by ClinVar (database versions not stated): gnomAD exomes 0.00099 and 0.00167; 1000 Genomes Project 30x 0.00141; 1000 Genomes Project 0.00160; ExAC 0.00161; ESP Exome Variant Server 0.00191; gnomAD 0.00226 and 0.00230; TOPMed 0.00235.
gnomAD v4.1: 1,846 of 1,613,958 alleles (0.11%); highest among the groups gnomAD compares: Middle Eastern, 0.96%; 5 homozygotes.

Submissions (4):

Ambry Genetics
Classification: Likely benign. Last evaluated: 2025-10-15. Review status: criteria provided, single submitter. Criteria: Ambry Variant Classification Scheme 2023. Collection method: clinical testing. Allele origin: germline.

CeGaT Center for Human Genetics Tuebingen
Classification: Likely benign. Last evaluated: 2023-01-01. Review status: criteria provided, single submitter. Criteria: CeGaT Center For Human Genetics Tuebingen Variant Classification Criteria Version 2. Collection method: clinical testing. Allele origin: germline. Affected: yes. Observed: 1 variant allele.
Comment: ICE1: BP4, BS2

Labcorp Genetics (formerly Invitae), Labcorp
Classification: Likely benign. Last evaluated: 2019-12-31. Review status: criteria provided, single submitter. Criteria: Invitae Variant Classification Sherloc (09022015). Collection method: clinical testing. Allele origin: germline.

Breakthrough Genomics
Classification: Likely benign. Review status: criteria provided, single submitter. Criteria: ACMG Guidelines, 2015. Collection method: not provided. Allele origin: germline. Inheritance: Unknown mechanism. Affected: yes.